The following is an entry in ClinVar:

ClinVar aggregate classification (germline): Benign. Review status: criteria provided, single submitter (1 of 4 stars). 2 submissions from 2 submitters: Benign (1). 1 of the submissions does not count toward it. Last evaluated 2026-01-24.

Conditions:
PKD1L1-related disorder. Also called: PKD1L1-related condition.

Allele frequency attached by ClinVar (database versions not stated): gnomAD 0.00723; TOPMed 0.00870; 1000 Genomes Project 30x 0.00890; ESP Exome Variant Server 0.00915; 1000 Genomes Project 0.00938.
gnomAD v4.1: 2,282 of 1,614,126 alleles (0.14%); highest among the groups gnomAD compares: African/African-American, 2.6%; 36 homozygotes.

Submissions (2):

Labcorp Genetics (formerly Invitae), Labcorp
Classification: Benign. Last evaluated: 2026-01-24. Review status: criteria provided, single submitter. Criteria: Invitae Variant Classification Sherloc (09022015). Collection method: clinical testing. Allele origin: germline.

PreventionGenetics, part of Exact Sciences
Classification: Benign for PKD1L1-related condition. Last evaluated: 2019-09-17. Review status: no assertion criteria provided. Collection method: clinical testing. Allele origin: germline. Not counted in ClinVar's aggregate classification.
Comment: This variant is classified as benign based on ACMG/AMP sequence variant interpretation guidelines (Richards et al. 2015 PMID: 25741868, with internal and published modifications).

NM_138295.5(PKD1L1):c.44+9T>G

Gene: PKD1L1 (polycystin 1 like 1, transient receptor potential channel interacting; minus strand). Cytogenetic location: 7p12.3.
Variant type: single nucleotide variant.
Coding change: c.44+9T>G on transcript NM_138295.5 (MANE Select); 9 bases into the intron after coding-DNA position 44, T replaced by G.
Molecular consequence: intron variant.
Genome position (GRCh38, 1-based): chr7:47,948,388, A>C on the plus strand (T>G on the coding strand, the complement: PKD1L1 is on the minus strand). VCF-style: chr7-47948388-A-C. GRCh37 (hg19) VCF-style: chr7-47987985-A-C.
Identifiers: ClinVar variation 790592 (VCV000790592.11), dbSNP rs142601530, ClinGen allele CA4254500.